The following is an entry in ClinVar:

ClinVar aggregate classification (germline): Uncertain significance (0 of 4 stars; one submission).

Conditions:
F5-related disorder. Also called: F5-related condition.

Submission:

PreventionGenetics, part of Exact Sciences
Classification: Uncertain significance for F5-related condition. Last evaluated: 2024-02-21. Review status: no assertion criteria provided. Collection method: clinical testing. Allele origin: germline.
Comment: The F5 c.4450T>C variant is predicted to result in the amino acid substitution p.Tyr1484His. To our knowledge, this variant has not been reported in the literature or in a large population database, indicating this variant is rare. At this time, the clinical significance of this variant is uncertain due to the absence of conclusive functional and genetic evidence.

NM_000130.5(F5):c.4450T>C (p.Tyr1484His)

Gene: F5 (coagulation factor V; minus strand). Cytogenetic location: 1q24.2.
Variant type: single nucleotide variant.
Coding change: c.4450T>C on transcript NM_000130.5 (MANE Select); coding-DNA position 4450, T replaced by C.
Protein change: p.Tyr1484His; replaces tyrosine 1484 with histidine.
Molecular consequence: missense variant.
Genome position (GRCh38, 1-based): chr1:169,540,640, A>G on the plus strand (T>C on the coding strand, the complement: F5 is on the minus strand). VCF-style: chr1-169540640-A-G. GRCh37 (hg19) VCF-style: chr1-169509878-A-G.
Other names: short protein forms Y1484H.
Identifiers: ClinVar variation 3061286 (VCV003061286.2), dbSNP rs2526387824, ClinGen allele CA343143657.